The following is an entry in ClinVar:

NM_006876.3(B4GAT1):c.79C>A (p.Leu27Met)

Gene: B4GAT1 (beta-1,4-glucuronyltransferase 1; minus strand). Cytogenetic location: 11q13.2.
Variant type: single nucleotide variant.
Coding change: c.79C>A on transcript NM_006876.3 (MANE Select); coding-DNA position 79, C replaced by A.
Protein change: p.Leu27Met; replaces leucine 27 with methionine.
Molecular consequence: missense variant.
Genome position (GRCh38, 1-based): chr11:66,347,467, G>T on the plus strand (C>A on the coding strand, the complement: B4GAT1 is on the minus strand). VCF-style: chr11-66347467-G-T. GRCh37 (hg19) VCF-style: chr11-66114938-G-T.
Other names: short protein forms L27M.
Identifiers: ClinVar variation 2122804 (VCV002122804.4), dbSNP rs775465030, ClinGen allele CA381419140.

ClinVar aggregate classification (germline): Uncertain significance (1 of 4 stars; one submission).

Conditions:
Muscular dystrophy-dystroglycanopathy (congenital with brain and eye anomalies), type A13. Also called: WALKER-WARBURG SYNDROME OR MUSCLE-EYE-BRAIN DISEASE, B3GNT1-RELATED; Muscular dystrophy-dystroglycanopathy (congenital with brain and eye anomalies), type a, 13. Identifiers: Orphanet 899, MedGen C3809042, MONDO:0014120, OMIM 615287.

Submission:

Labcorp Genetics (formerly Invitae), Labcorp
Classification: Uncertain significance for Muscular dystrophy-dystroglycanopathy (congenital with brain and eye anomalies), type A13. Last evaluated: 2022-10-25. Review status: criteria provided, single submitter. Criteria: Invitae Variant Classification Sherloc (09022015). Collection method: clinical testing. Allele origin: germline.
Comment: This variant has not been reported in the literature in individuals affected with B4GAT1-related conditions. This sequence change replaces leucine, which is neutral and non-polar, with methionine, which is neutral and non-polar, at codon 27 of the B4GAT1 protein (p.Leu27Met). This variant is not present in population databases (gnomAD no frequency). Algorithms developed to predict the effect of missense changes on protein structure and function are either unavailable or do not agree on the potential impact of this missense change (SIFT: "Deleterious"; PolyPhen-2: "Possibly Damaging"; Align-GVGD: "Class C0"). In summary, the available evidence is currently insufficient to determine the role of this variant in disease. Therefore, it has been classified as a Variant of Uncertain Significance.